The following is an entry in ClinVar:

NM_016222.4(DDX41):c.1732+3G>A

Gene: DDX41 (DEAD-box helicase 41; minus strand). Cytogenetic location: 5q35.3.
Variant type: single nucleotide variant.
Coding change: c.1732+3G>A on transcript NM_016222.4 (MANE Select); 3 bases into the intron after coding-DNA position 1732, G replaced by A.
Molecular consequence: intron variant.
Genome position (GRCh38, 1-based): chr5:177,512,093, C>T on the plus strand (G>A on the coding strand, the complement: DDX41 is on the minus strand). VCF-style: chr5-177512093-C-T. GRCh37 (hg19) VCF-style: chr5-176939094-C-T.
Other names: c.1354+3G>A (NM_001321830.2, NM_001321732.2).
Identifiers: ClinVar variation 4617167 (VCV004617167.1).
Genomic context (GRCh38, chr5:177,512,093, plus strand): 5'-ACTTCCAGCACCCCTCCTTGCCACCTGCCGGCTGGGGACTCGGGGATCCCGCTCTGCAGT[C>T]ACCTCCAATGTCCAGCATGGACTCATCCCCGCAATGCAGCACCTGCAGCACGGGCGGCAC-3'

ClinVar aggregate classification (germline): Uncertain significance (1 of 4 stars; one submission).

Conditions:
Inborn genetic diseases. Identifiers: MedGen C0950123, MeSH D030342.

Submission:

Ambry Genetics
Classification: Uncertain significance for Inborn genetic diseases. Last evaluated: 2025-11-05. Review status: criteria provided, single submitter. Criteria: Ambry Variant Classification Scheme 2023. Collection method: clinical testing. Allele origin: germline.
Comment: The c.1732+3G>A intronic variant results from a G to A substitution 3 nucleotides after coding exon 16 in the DDX41 gene. This nucleotide position is not well conserved in available vertebrate species. In silico splice site analysis predicts that this alteration will not have any significant effect on splicing. Based on the available evidence, the clinical significance of this variant remains unclear.